The following is an entry in ClinVar:

NM_025207.5(FLAD1):c.1393G>A (p.Gly465Ser)

Gene: FLAD1 (flavin adenine dinucleotide synthetase 1; plus strand). Cytogenetic location: 1q21.3.
Variant type: single nucleotide variant.
Coding change: c.1393G>A on transcript NM_025207.5 (MANE Select); coding-DNA position 1393, G replaced by A.
Protein change: p.Gly465Ser; replaces glycine 465 with serine.
Molecular consequence: missense variant.
Genome position (GRCh38, 1-based): chr1:154,990,367, G>A. VCF-style: chr1-154990367-G-A. GRCh37 (hg19) VCF-style: chr1-154962843-G-A.
Other names: c.1102G>A, p.Gly368Ser (NM_001184891.2, NM_201398.3); short protein forms G368S, G465S.
Identifiers: ClinVar variation 2092283 (VCV002092283.4), dbSNP rs773436746, ClinGen allele CA1134559.

ClinVar aggregate classification (germline): Uncertain significance (1 of 4 stars; one submission).

Allele frequency attached by ClinVar (database versions not stated): ExAC 0.00001; gnomAD 0.00001; gnomAD exomes 0.00001.
gnomAD v4.1: 15 of 1,613,860 alleles (0.00093%); highest among the groups gnomAD compares: South Asian, 0.016%; no homozygotes.

Submission:

Labcorp Genetics (formerly Invitae), Labcorp
Classification: Uncertain significance. Last evaluated: 2022-02-03. Review status: criteria provided, single submitter. Criteria: Invitae Variant Classification Sherloc (09022015). Collection method: clinical testing. Allele origin: germline.
Comment: In summary, the available evidence is currently insufficient to determine the role of this variant in disease. Therefore, it has been classified as a Variant of Uncertain Significance. Algorithms developed to predict the effect of missense changes on protein structure and function are either unavailable or do not agree on the potential impact of this missense change (SIFT: "Tolerated"; PolyPhen-2: "Probably Damaging"; Align-GVGD: "Class C0"). This variant has not been reported in the literature in individuals affected with FLAD1-related conditions. This variant is present in population databases (rs773436746, gnomAD 0.01%). This sequence change replaces glycine, which is neutral and non-polar, with serine, which is neutral and polar, at codon 465 of the FLAD1 protein (p.Gly465Ser).